The following is an entry in ClinVar:

ClinVar aggregate classification (germline): Uncertain significance (1 of 4 stars; one submission).

Conditions:
Singleton-Merten syndrome 1 (SGMRT1). Also called: Widened medullary cavities of bone, aortic calcification, abnormal dentition, and muscular weakness; Syndrome of widened medullary cavities of the metacarpals and phalanges, aortic calcification and abnormal dentition. Identifiers: Orphanet 85191, MedGen C4225427, MONDO:0024535, OMIM 182250.
Aicardi-Goutieres syndrome 7 (AGS7). Identifiers: Orphanet 51, MedGen C3888244, MONDO:0014367, OMIM 615846.

Allele frequency attached by ClinVar (database versions not stated): gnomAD exomes below 0.00001.
gnomAD v4.1: 1 of 1,613,918 alleles (0.000062%); highest among the groups gnomAD compares: Non-Finnish European, 0.000085%; no homozygotes.

Submission:

Labcorp Genetics (formerly Invitae), Labcorp
Classification: Uncertain significance for Aicardi-Goutieres syndrome 7; Singleton-Merten syndrome 1. Last evaluated: 2021-08-19. Review status: criteria provided, single submitter. Criteria: Invitae Variant Classification Sherloc (09022015). Collection method: clinical testing. Allele origin: germline.
Comment: This sequence change replaces glycine with arginine at codon 721 of the IFIH1 protein (p.Gly721Arg). The glycine residue is moderately conserved and there is a moderate physicochemical difference between glycine and arginine. In summary, the available evidence is currently insufficient to determine the role of this variant in disease. Therefore, it has been classified as a Variant of Uncertain Significance. Algorithms developed to predict the effect of missense changes on protein structure and function are either unavailable or do not agree on the potential impact of this missense change (SIFT: "Tolerated"; PolyPhen-2: "Probably Damaging"; Align-GVGD: "Class C0"). This variant has not been reported in the literature in individuals affected with IFIH1-related conditions. This variant is not present in population databases (ExAC no frequency).

NM_022168.4(IFIH1):c.2161G>C (p.Gly721Arg)

Gene: IFIH1 (interferon induced with helicase C domain 1; minus strand). Cytogenetic location: 2q24.2.
Variant type: single nucleotide variant.
Coding change: c.2161G>C on transcript NM_022168.4 (MANE Select); coding-DNA position 2161, G replaced by C.
Protein change: p.Gly721Arg; replaces glycine 721 with arginine.
Molecular consequence: missense variant.
Genome position (GRCh38, 1-based): chr2:162,276,830, C>G on the plus strand (G>C on the coding strand, the complement: IFIH1 is on the minus strand). VCF-style: chr2-162276830-C-G. GRCh37 (hg19) VCF-style: chr2-163133340-C-G.
Other names: short protein forms G721R.
Identifiers: ClinVar variation 1350842 (VCV001350842.6), dbSNP rs2105196666, ClinGen allele CA348997179.